The following is an entry in ClinVar:

NM_020989.4(CRYGC):c.418dup (p.Arg140fs)

Genes: CRYGC (crystallin gamma C; minus strand), LOC100507443 (uncharacterized LOC100507443; plus strand). Cytogenetic location: 2q33.3.
Variant type: Duplication.
Coding change: c.418dup on transcript NM_020989.4 (MANE Select); coding-DNA position 418, one base duplicated (C; older notation c.418dupC).
Protein change: p.Arg140fs; shifts the reading frame from arginine 140.
Molecular consequence: frameshift variant.
Genome position (GRCh38, 1-based): chr2:208,128,310, G duplicated on the plus strand (C on the coding strand, the reverse complement: CRYGC is on the minus strand); the first of 2 consecutive G bases (chr2:208,128,310-208,128,311); duplicating either gives the same sequence. VCF-style (leftmost placement, unchanged base first): chr2-208128309-C-CG. GRCh37 (hg19) VCF-style: chr2-208993033-C-CG.
Other names: short protein forms R140fs.
Identifiers: ClinVar variation 1475373 (VCV001475373.6), dbSNP rs2105857887, ClinGen allele CA2573134371.

ClinVar aggregate classification (germline): Likely pathogenic (1 of 4 stars; one submission).

Conditions:
Nuclear pulverulent cataract (CTRCT2). Identifiers: MedGen C1852438, HP:0010698.

Submission:

Labcorp Genetics (formerly Invitae), Labcorp
Classification: Likely pathogenic for Nuclear pulverulent cataract. Last evaluated: 2021-11-12. Review status: criteria provided, single submitter. Criteria: Invitae Variant Classification Sherloc (09022015). Collection method: clinical testing. Allele origin: germline.
Comment: This premature translational stop signal has been observed in individual(s) with congenital cataract (Invitae). In at least one individual the variant was observed to be de novo. In summary, the currently available evidence indicates that the variant is pathogenic, but additional data are needed to prove that conclusively. Therefore, this variant has been classified as Likely Pathogenic. This variant is not present in population databases (gnomAD no frequency). This sequence change creates a premature translational stop signal (p.Arg140Profs*24) in the CRYGC gene. While this is not anticipated to result in nonsense mediated decay, it is expected to disrupt the last 35 amino acid(s) of the CRYGC protein.